The following is an entry in ClinVar:

NM_005327.7(HADH):c.268G>A (p.Asp90Asn)

Gene: HADH (hydroxyacyl-CoA dehydrogenase; plus strand). Cytogenetic location: 4q25.
Variant type: single nucleotide variant.
Coding change: c.268G>A on transcript NM_005327.7 (MANE Select); coding-DNA position 268, G replaced by A.
Protein change: p.Asp90Asn; replaces aspartic acid 90 with asparagine.
Molecular consequence: missense variant.
Genome position (GRCh38, 1-based): chr4:108,014,437, G>A. VCF-style: chr4-108014437-G-A. GRCh37 (hg19) VCF-style: chr4-108935593-G-A.
Other names: c.268G>A, p.Asp90Asn (NM_001184705.4); c.280G>A, p.Asp94Asn (NM_001331027.2); short protein forms D90N, D94N.
Identifiers: ClinVar variation 3361159 (VCV003361159.1).

ClinVar aggregate classification (germline): Uncertain significance (1 of 4 stars; one submission).

gnomAD v4.1: 9 of 1,613,988 alleles (0.00056%); highest among the groups gnomAD compares: South Asian, 0.0022%; no homozygotes.

Submission:

GeneDx
Classification: Uncertain significance. Last evaluated: 2023-07-13. Review status: criteria provided, single submitter. Criteria: GeneDx Variant Classification Process June 2021. Collection method: clinical testing. Allele origin: germline. Affected: yes.
Comment: Not observed at significant frequency in large population cohorts (gnomAD); In silico analysis supports that this missense variant does not alter protein structure/function; Has not been previously published as pathogenic or benign to our knowledge